The following is an entry in ClinVar:

NM_000053.4(ATP7B):c.3880G>A (p.Ala1294Thr)

Gene: ATP7B (ATPase copper transporting beta; minus strand). Cytogenetic location: 13q14.3.
Variant type: single nucleotide variant.
Coding change: c.3880G>A on transcript NM_000053.4 (MANE Select); coding-DNA position 3880, G replaced by A.
Protein change: p.Ala1294Thr; replaces alanine 1294 with threonine.
Molecular consequence: missense variant.
Genome position (GRCh38, 1-based): chr13:51,937,499, C>T on the plus strand (G>A on the coding strand, the complement: ATP7B is on the minus strand). VCF-style: chr13-51937499-C-T. GRCh37 (hg19) VCF-style: chr13-52511635-C-T.
Other names: c.3736G>A, p.Ala1246Thr (NM_001406520.1, NM_001406521.1, NM_001406522.1); c.3628G>A, p.Ala1210Thr (NM_001406531.1, NM_001330579.2, NM_001406532.1); c.3646G>A, p.Ala1216Thr (NM_001406528.1, NM_001406527.1, NM_001330578.2); c.3640G>A, p.Ala1214Thr (NM_001406530.1); c.3697G>A, p.Ala1233Thr (NM_001406523.1); c.3703G>A, p.Ala1235Thr (NM_001406524.1); c.3685G>A, p.Ala1229Thr (NM_001406525.1); c.3259G>A, p.Ala1087Thr (NM_001005918.3); and 20 more; short protein forms A1067T, A1130T, A1145T, A1181T, A1198T, A1233T, A1276T, A1283T.
Identifiers: ClinVar variation 2016080 (VCV002016080.2), dbSNP rs2547567024, ClinGen allele CA388021465.

ClinVar aggregate classification (germline): Uncertain significance (1 of 4 stars; one submission).

Conditions:
Wilson disease (WND). Also called: Wilson's disease. Identifiers: Orphanet 905, MedGen C0019202, MONDO:0010200, OMIM 277900. Disease mechanism: loss of function.

Allele frequency attached by ClinVar (database versions not stated): gnomAD exomes below 0.00001.
gnomAD v4.1: 2 of 1,614,084 alleles (0.00012%); highest among the groups gnomAD compares: East Asian, 0.0022%; no homozygotes.

Submission:

Labcorp Genetics (formerly Invitae), Labcorp
Classification: Uncertain significance for Wilson disease. Last evaluated: 2022-07-11. Review status: criteria provided, single submitter. Criteria: Invitae Variant Classification Sherloc (09022015). Collection method: clinical testing. Allele origin: germline.
Comment: In summary, the available evidence is currently insufficient to determine the role of this variant in disease. Therefore, it has been classified as a Variant of Uncertain Significance. Experimental studies have shown that this missense change does not substantially affect ATP7B function (PMID: 18203200). Advanced modeling of protein sequence and biophysical properties (such as structural, functional, and spatial information, amino acid conservation, physicochemical variation, residue mobility, and thermodynamic stability) performed at Invitae indicates that this missense variant is expected to disrupt ATP7B protein function. This variant is also known as c.3547G>A (p.Ala1183Thr). This missense change has been observed in individual(s) with Wilson disease (PMID: 9671269). This variant is not present in population databases (gnomAD no frequency). This sequence change replaces alanine, which is neutral and non-polar, with threonine, which is neutral and polar, at codon 1294 of the ATP7B protein (p.Ala1294Thr).

Literature cited by the submitters: PubMed 18203200; PubMed 9671269.